The following is an entry in ClinVar:

NM_001457.4(FLNB):c.2973C>G (p.Cys991Trp)

Gene: FLNB (filamin B; plus strand). Cytogenetic location: 3p14.3.
Variant type: single nucleotide variant.
Coding change: c.2973C>G on transcript NM_001457.4 (MANE Select); coding-DNA position 2973, C replaced by G.
Protein change: p.Cys991Trp; replaces cysteine 991 with tryptophan.
Molecular consequence: missense variant.
Genome position (GRCh38, 1-based): chr3:58,121,350, C>G. VCF-style: chr3-58121350-C-G. GRCh37 (hg19) VCF-style: chr3-58107077-C-G.
Other names: c.2973C>G, p.Cys991Trp (NM_001164317.2, NM_001164318.2, NM_001164319.2); short protein forms C991W.
Identifiers: ClinVar variation 1331270 (VCV001331270.2), dbSNP rs750262364, ClinGen allele CA75445652.

ClinVar aggregate classification (germline): Uncertain significance (1 of 4 stars; one submission).

Allele frequency attached by ClinVar (database versions not stated): TOPMed below 0.00001.
gnomAD v4.1: 8 of 1,614,158 alleles (0.0005%); highest among the groups gnomAD compares: Non-Finnish European, 0.00068%; no homozygotes.

Submission:

GeneDx
Classification: Uncertain significance. Last evaluated: 2021-07-01. Review status: criteria provided, single submitter. Criteria: GeneDx Variant Classification Process June 2021. Collection method: clinical testing. Allele origin: germline. Affected: yes.
Comment: Not observed at significant frequency in large population cohorts (Lek et al., 2016); In silico analysis supports that this missense variant has a deleterious effect on protein structure/function; Has not been previously published as pathogenic or benign to our knowledge; This variant is associated with the following publications: (PMID: 27535533)